The following is an entry in ClinVar:

NM_000170.3(GLDC):c.1708C>G (p.Pro570Ala)

Gene: GLDC (glycine decarboxylase; minus strand). Cytogenetic location: 9p24.1.
Variant type: single nucleotide variant.
Coding change: c.1708C>G on transcript NM_000170.3 (MANE Select); coding-DNA position 1708, C replaced by G.
Protein change: p.Pro570Ala; replaces proline 570 with alanine.
Molecular consequence: missense variant.
Genome position (GRCh38, 1-based): chr9:6,587,283, G>C on the plus strand (C>G on the coding strand, the complement: GLDC is on the minus strand). VCF-style: chr9-6587283-G-C. GRCh37 (hg19) VCF-style: chr9-6587283-G-C.
Other names: short protein forms P570A.
Identifiers: ClinVar variation 1501658 (VCV001501658.6), dbSNP rs1289915951, ClinGen allele CA372891939.
Genomic context (GRCh38, chr9:6,587,283, plus strand): 5'-CTTGAGCTTGATCCAGAGGCACAAAGGGGTGGATGTTTGCAAATTCTTTCCATGTGATAG[G>C]CTGAAAAGAAAGAAAACAAAAATGCATATATACATATTATAATAGCAATAGCAATAATAA-3'
Protein context (NP_000161.2, residues 560-580): MKLNSSSELA[Pro570Ala]ITWKEFANIH

ClinVar aggregate classification (germline): Uncertain significance (1 of 4 stars; one submission).

Conditions:
Glycine encephalopathy. Also called: Non-ketotic hyperglycinemia; Nonketotic hyperglycinemia. Identifiers: Orphanet 407, MedGen C0751748, MONDO:0011612, HP:0008288.

Allele frequency attached by ClinVar (database versions not stated): gnomAD exomes below 0.00001.

Submission:

Labcorp Genetics (formerly Invitae), Labcorp
Classification: Uncertain significance for Glycine encephalopathy. Last evaluated: 2021-08-28. Review status: criteria provided, single submitter. Criteria: Invitae Variant Classification Sherloc (09022015). Collection method: clinical testing. Allele origin: germline.
Comment: In summary, the available evidence is currently insufficient to determine the role of this variant in disease. Therefore, it has been classified as a Variant of Uncertain Significance. Algorithms developed to predict the effect of missense changes on protein structure and function output the following: SIFT: "Deleterious"; PolyPhen-2: "Benign"; Align-GVGD: "Class C25". The alanine amino acid residue is found in multiple mammalian species, which suggests that this missense change does not adversely affect protein function. This sequence change replaces proline with alanine at codon 570 of the GLDC protein (p.Pro570Ala). The proline residue is highly conserved and there is a small physicochemical difference between proline and alanine. This variant is not present in population databases (ExAC no frequency). This variant has not been reported in the literature in individuals affected with GLDC-related conditions.